The following is an entry in ClinVar:

NM_002691.4(POLD1):c.460C>T (p.Pro154Ser)

Gene: POLD1 (DNA polymerase delta 1, catalytic subunit; plus strand). Cytogenetic location: 19q13.33.
Variant type: single nucleotide variant.
Coding change: c.460C>T on transcript NM_002691.4 (MANE Select); coding-DNA position 460, C replaced by T.
Protein change: p.Pro154Ser; replaces proline 154 with serine.
Molecular consequence: missense variant. On other transcripts: non-coding transcript variant (1).
Genome position (GRCh38, 1-based): chr19:50,401,921, C>T. VCF-style: chr19-50401921-C-T. GRCh37 (hg19) VCF-style: chr19-50905178-C-T.
Other names: c.460C>T, p.Pro154Ser (NM_001256849.1, NM_001308632.1); c.460C>T (NM_002691.2); short protein forms P154S.
Identifiers: ClinVar variation 1464160 (VCV001464160.10), dbSNP rs2122235152, ClinGen allele CA406972792.

ClinVar aggregate classification (germline): Uncertain significance. Review status: criteria provided, multiple submitters, no conflicts (2 of 4 stars). 2 submissions from 2 submitters: Uncertain significance (2). Last evaluated 2025-11-23.

Conditions:
POLD1-related polyposis and colorectal cancer syndrome (CRCS10). Also called: Colorectal cancer 10; COLORECTAL CANCER, SUSCEPTIBILITY TO, ON CHROMOSOME 19q; Colorectal cancer, susceptibility to, 10. Identifiers: Orphanet 220460, MedGen C2675481, MONDO:0012953, OMIM 612591.
Hereditary cancer-predisposing syndrome. Also called: Neoplastic Syndromes, Hereditary; Tumor predisposition; Hereditary Cancer Syndrome; Hereditary neoplastic syndrome. Identifiers: Orphanet 140162, MedGen C0027672, MeSH D009386, MONDO:0015356.

Submissions (2):

Labcorp Genetics (formerly Invitae), Labcorp
Classification: Uncertain significance for POLD1-related polyposis and colorectal cancer syndrome. Last evaluated: 2025-11-23. Review status: criteria provided, single submitter. Criteria: Invitae Variant Classification Sherloc (09022015). Collection method: clinical testing. Allele origin: germline.
Comment: This sequence change replaces proline, which is neutral and non-polar, with serine, which is neutral and polar, at codon 154 of the POLD1 protein (p.Pro154Ser). This variant is not present in population databases (gnomAD no frequency). This variant has not been reported in the literature in individuals affected with POLD1-related conditions. ClinVar contains an entry for this variant (Variation ID: 1464160). Invitae Evidence Modeling of protein sequence and biophysical properties (such as structural, functional, and spatial information, amino acid conservation, physicochemical variation, residue mobility, and thermodynamic stability) indicates that this missense variant is not expected to disrupt POLD1 protein function with a negative predictive value of 80%. In summary, the available evidence is currently insufficient to determine the role of this variant in disease. Therefore, it has been classified as a Variant of Uncertain Significance.

Ambry Genetics
Classification: Uncertain significance for Hereditary cancer-predisposing syndrome. Last evaluated: 2023-03-22. Review status: criteria provided, single submitter. Criteria: Ambry Variant Classification Scheme 2023. Collection method: clinical testing. Allele origin: germline.
Comment: The p.P154S variant (also known as c.460C>T), located in coding exon 3 of the POLD1 gene, results from a C to T substitution at nucleotide position 460. The proline at codon 154 is replaced by serine, an amino acid with similar properties. This amino acid position is conserved. In addition, this alteration is predicted to be tolerated by in silico analysis. Since supporting evidence is limited at this time, the clinical significance of this alteration remains unclear.